The following is an entry in ClinVar:

NM_000376.3(VDR):c.218G>A (p.Arg73Gln)

Gene: VDR (vitamin D receptor; minus strand). Cytogenetic location: 12q13.11.
Variant type: single nucleotide variant.
Coding change: c.218G>A on transcript NM_000376.3 (MANE Select); coding-DNA position 218, G replaced by A.
Protein change: p.Arg73Gln; replaces arginine 73 with glutamine.
Molecular consequence: missense variant.
Genome position (GRCh38, 1-based): chr12:47,865,106, C>T on the plus strand (G>A on the coding strand, the complement: VDR is on the minus strand). VCF-style: chr12-47865106-C-T. GRCh37 (hg19) VCF-style: chr12-48258889-C-T.
Other names: c.218G>A, p.Arg73Gln (NM_001017535.2, NM_001364085.2, NM_001374661.1 and 1 more transcripts); c.368G>A, p.Arg123Gln (NM_001017536.2); short protein forms R73Q, R123Q.
Identifiers: ClinVar variation 7746 (VCV000007746.11), dbSNP rs121909791, ClinGen allele CA119020.
Genomic context (GRCh38, chr12:47,865,106, plus strand): 5'-CACTCCTTCATCATGCCGATGTCCACACAGCGTTTGAGCCGGCAGGCCTGGCAGTGGCGT[C>T]GGTTGTCCTTGGTGATGCGGCAGTCCCCGTTGAAGGGGCAGGTGAATAGTGCCTTCCGCT-3'
Protein context (NP_000367.1, residues 63-83): NGDCRITKDN[Arg73Gln]RHCQACRLKR

ClinVar aggregate classification (germline): Pathogenic/Likely pathogenic. Review status: criteria provided, multiple submitters, no conflicts (2 of 4 stars). 5 submissions from 5 submitters: Pathogenic (1); Likely pathogenic (2). 2 of the submissions do not count toward it. Last evaluated 2025-04-22.

Conditions:
Vitamin D-dependent rickets type II with alopecia (VDDR2A). Also called: GENERALIZED RESISTANCE TO 1,25-DIHYDROXYVITAMIN D; HYPOCALCEMIC VITAMIN D-RESISTANT RICKETS; VITAMIN D-DEPENDENT RICKETS, TYPE 2A, WITH OR WITHOUT ALOPECIA; VITAMIN D-RESISTANT RICKETS WITH END-ORGAN UNRESPONSIVENESS TO 1,25-DIHYDROXYCHOLECALCIFEROL; PDDR IIA; PSEUDOVITAMIN D-DEFICIENCY, TYPE IIA. Identifiers: Orphanet 93160, MedGen C0342646, MONDO:0010186, OMIM 277440.

Allele frequency attached by ClinVar (database versions not stated): gnomAD exomes 0.00003 and 0.00004; gnomAD 0.00004 and 0.00003; TOPMed 0.00006; ExAC 0.00001.

Submissions (5):

Labcorp Genetics (formerly Invitae), Labcorp
Classification: Likely pathogenic. Last evaluated: 2025-04-22. Review status: criteria provided, single submitter. Criteria: Invitae Variant Classification Sherloc (09022015). Collection method: clinical testing. Allele origin: germline.
Comment: This sequence change replaces arginine, which is basic and polar, with glutamine, which is neutral and polar, at codon 73 of the VDR protein (p.Arg73Gln). This variant is present in population databases (rs121909791, gnomAD 0.02%). This missense change has been observed in individuals with vitamin D-dependent rickets (PMID: 2849209, 28620554). It has also been observed to segregate with disease in related individuals. This variant is also known as Arg70 to Gln. ClinVar contains an entry for this variant (Variation ID: 7746). Invitae Evidence Modeling of protein sequence and biophysical properties (such as structural, functional, and spatial information, amino acid conservation, physicochemical variation, residue mobility, and thermodynamic stability) indicates that this missense variant is expected to disrupt VDR protein function with a positive predictive value of 80%. Experimental studies have shown that this missense change affects VDR function (PMID: 2849209). In summary, the currently available evidence indicates that the variant is pathogenic, but additional data are needed to prove that conclusively. Therefore, this variant has been classified as Likely Pathogenic.

Fulgent Genetics
Classification: Likely pathogenic for Vitamin D-dependent rickets type II with alopecia. Last evaluated: 2024-03-11. Review status: criteria provided, single submitter. Criteria: ACMG Guidelines, 2015. Collection method: clinical testing. Allele origin: germline.

Mendelics
Classification: Pathogenic for Vitamin D-dependent rickets type II with alopecia. Last evaluated: 2022-05-04. Review status: criteria provided, single submitter. Criteria: Mendelics Assertion Criteria 2019. Collection method: clinical testing. Allele origin: germline.

OMIM
Classification: Pathogenic for VITAMIN D-DEPENDENT RICKETS, TYPE 2A. Last evaluated: 1988-12-23. Review status: no assertion criteria provided. Collection method: literature only. Allele origin: germline. Not counted in ClinVar's aggregate classification.

GeneDx
Classification: Uncertain significance. Last evaluated: 2017-06-30. Review status: flagged submission. Criteria: GeneDx Variant Classification (06012015). Collection method: clinical testing. Allele origin: germline. Affected: yes. Not counted in ClinVar's aggregate classification.
Comment: The R73Q variant is observed in 1/16512 (0.0061%) alleles from individuals of South Asian background, but no homozygous individuals were reported, in the ExAC dataset (Lek et al., 2016). The R73Q variant is a semi-conservative amino acid substitution, which may impact secondary protein structure as these residues differ in some properties. This substitution occurs in the nuclear receptor DNA biding domain at a position that is conserved across species. In silico analysis predicts this variant is probably damaging to the protein structure/function. We interpret R73Q as a variant of uncertain significance.
ClinVar note: Reason: Outlier claim with insufficient supporting evidence

Literature cited by the submitters: PubMed 2849209 (cited by Labcorp Genetics (formerly Invitae), Labcorp and OMIM); PubMed 28620554 (cited by Labcorp Genetics (formerly Invitae), Labcorp).